The following is an entry in ClinVar:

NM_001142416.2(AIMP1):c.895G>A (p.Gly299Arg)

Gene: AIMP1 (aminoacyl tRNA synthetase complex interacting multifunctional protein 1; plus strand). Cytogenetic location: 4q24.
Variant type: single nucleotide variant.
Coding change: c.895G>A on transcript NM_001142416.2 (MANE Select); coding-DNA position 895, G replaced by A.
Protein change: p.Gly299Arg; replaces glycine 299 with arginine.
Molecular consequence: missense variant.
Genome position (GRCh38, 1-based): chr4:106,347,648, G>A. VCF-style: chr4-106347648-G-A. GRCh37 (hg19) VCF-style: chr4-107268805-G-A.
Other names: c.895G>A, p.Gly299Arg (NM_001142415.2, NM_004757.4); short protein forms G299R.
Identifiers: ClinVar variation 3384795 (VCV003384795.2).

ClinVar aggregate classification (germline): Pathogenic. Review status: criteria provided, single submitter (1 of 4 stars). 2 submissions from 2 submitters: Pathogenic (1). 1 of the submissions does not count toward it. Last evaluated 2024-10-09.

Conditions:
Leukodystrophy, hypomyelinating, 3. Identifiers: Orphanet 280270, Orphanet 280293, MedGen C1850053, MONDO:0009843, OMIM 260600.

gnomAD v4.1: 8 of 1,613,176 alleles (0.0005%); highest among the groups gnomAD compares: South Asian, 0.0088%; no homozygotes.

Submissions (2):

Women's Health and Genetics/Laboratory Corporation of America, LabCorp
Classification: Pathogenic for Leukodystrophy, hypomyelinating, 3. Last evaluated: 2024-10-09. Review status: criteria provided, single submitter. Criteria: LabCorp Variant Classification Summary - May 2015. Collection method: clinical testing. Allele origin: germline.
Comment: Variant summary: AIMP1 c.895G>A (p.Gly299Arg) results in a non-conservative amino acid change in the encoded protein sequence. Four of five in-silico tools predict a damaging effect of the variant on protein function. The variant allele was found at a frequency of 8e-06 in 250402 control chromosomes. c.895G>A has been reported in the literature in multiple homozygous individuals in a single family affected with Hypomyelinating Leukodystrophy 3 and shows a perfect segregation with disease (Igbal_2016). These data indicate that the variant is very likely to be associated with disease. To our knowledge, no experimental evidence demonstrating an impact on protein function has been reported. The following publication have been ascertained in the context of this evaluation (PMID: 26173967). No submitters have cited clinical-significance assessments for this variant to ClinVar. Based on the evidence outlined above, the variant was classified as pathogenic.

Leeds Institute of Medical Research, University of Leeds
Classification: Likely pathogenic for Leukodystrophy, hypomyelinating, 3. Last evaluated: 2025-01-27. Review status: no assertion criteria provided. Collection method: research. Allele origin: germline. Affected: yes. Observed: 3 variant alleles. Not counted in ClinVar's aggregate classification.
Comment: This homozygous missense variant NM_001142416.2:c.895G>A in AIMP1 segregated in the family with hypomyelinating leukodystrophy-3 (OMIM#260600). ). This variant is not listed in ClinVar, and has a gnomAD v.4.0.1 (Exomes) maf of 0.000004791 (0.00008787 in South Asia). This variant is predicted as deleterious by MutationTaster, DANN, PolyPhen2, SIFT and Varity. The CADD-Phred for this variant is 32. The variant was classified as likely pathogenic according to ACMG criteria of PP3, PS3, PM2.

Literature cited by the submitters: PubMed 26173967 (cited by Women's Health and Genetics/Laboratory Corporation of America, LabCorp).